The following is an entry in ClinVar:

ClinVar aggregate classification (germline): Uncertain significance. Review status: criteria provided, multiple submitters, no conflicts (2 of 4 stars). 2 submissions from 2 submitters: Uncertain significance (2). Last evaluated 2025-02-05.

Submissions (2):

GeneDx
Classification: Uncertain significance. Last evaluated: 2025-02-05. Review status: criteria provided, single submitter. Criteria: GeneDx Variant Classification Process June 2021. Collection method: clinical testing. Allele origin: germline. Affected: yes.
Comment: Not observed at significant frequency in large population cohorts (gnomAD); In silico analysis supports that this missense variant has a deleterious effect on protein structure/function; Has not been previously published as pathogenic or benign to our knowledge.

Labcorp Genetics (formerly Invitae), Labcorp
Classification: Uncertain significance. Last evaluated: 2022-11-05. Review status: criteria provided, single submitter. Criteria: Invitae Variant Classification Sherloc (09022015). Collection method: clinical testing. Allele origin: germline.
Comment: This sequence change replaces serine, which is neutral and polar, with phenylalanine, which is neutral and non-polar, at codon 1131 of the CLTC protein (p.Ser1131Phe). This variant is not present in population databases (gnomAD no frequency). This variant has not been reported in the literature in individuals affected with CLTC-related conditions. ClinVar contains an entry for this variant (Variation ID: 1309162). Advanced modeling of protein sequence and biophysical properties (such as structural, functional, and spatial information, amino acid conservation, physicochemical variation, residue mobility, and thermodynamic stability) performed at Invitae indicates that this missense variant is expected to disrupt CLTC protein function. In summary, the available evidence is currently insufficient to determine the role of this variant in disease. Therefore, it has been classified as a Variant of Uncertain Significance.

NM_004859.4(CLTC):c.3380C>T (p.Ser1127Phe)

Gene: CLTC (clathrin heavy chain; plus strand). Cytogenetic location: 17q23.1.
Variant type: single nucleotide variant.
Coding change: c.3380C>T on transcript NM_004859.4 (MANE Select); coding-DNA position 3380, C replaced by T.
Protein change: p.Ser1127Phe; replaces serine 1127 with phenylalanine.
Molecular consequence: missense variant.
Genome position (GRCh38, 1-based): chr17:59,681,777, C>T. VCF-style: chr17-59681777-C-T. GRCh37 (hg19) VCF-style: chr17-57759138-C-T.
Other names: c.3392C>T, p.Ser1131Phe (NM_001288653.2); short protein forms S1127F, S1131F.
Identifiers: ClinVar variation 1309162 (VCV001309162.6), dbSNP rs2143592469, ClinGen allele CA400417669.